The following is an entry in ClinVar:

NM_001130965.3(SUN1):c.2271A>G (p.Ile757Met)

Gene: SUN1 (Sad1 and UNC84 domain containing 1; plus strand). Cytogenetic location: 7p22.3.
Variant type: single nucleotide variant.
Coding change: c.2271A>G on transcript NM_001130965.3 (MANE Select); coding-DNA position 2271, A replaced by G.
Protein change: p.Ile757Met; replaces isoleucine 757 with methionine.
Molecular consequence: missense variant. On other transcripts: non-coding transcript variant (3).
Genome position (GRCh38, 1-based): chr7:873,244, A>G. VCF-style: chr7-873244-A-G. GRCh37 (hg19) VCF-style: chr7-912881-A-G.
Other names: c.1962A>G, p.Ile654Met (NM_001171944.2); c.2271A>G, p.Ile757Met (NM_001367633.1, NM_001367634.1); c.1920A>G, p.Ile640Met (NM_001367635.1); c.2418A>G, p.Ile806Met (NM_001367636.1); c.2379A>G, p.Ile793Met (NM_001367638.1); c.1812A>G, p.Ile604Met (NM_001367639.1); c.2451A>G, p.Ile817Met (NM_001367640.1); c.2553A>G, p.Ile851Met (NM_001367641.1); and 56 more; short protein forms I568M, I696M, I734M, I743M, I746M, I756M, I757M, I783M.
Identifiers: ClinVar variation 642395 (VCV000642395.8), dbSNP rs1221855051, ClinGen allele CA366536878.

ClinVar aggregate classification (germline): Uncertain significance (1 of 4 stars; one submission).

Conditions:
Emery-Dreifuss muscular dystrophy (EDMD). Also called: Scapuloperoneal syndrome, X-linked (formerly); Humeroperoneal neuromuscular disease, (formerly). Identifiers: Orphanet 261, MedGen C0410189, MONDO:0016830.

Allele frequency attached by ClinVar (database versions not stated): TOPMed below 0.00001; gnomAD 0.00001.
gnomAD v4.1: 11 of 1,614,256 alleles (0.00068%); highest among the groups gnomAD compares: Non-Finnish European, 0.00085%; no homozygotes.

Submission:

Labcorp Genetics (formerly Invitae), Labcorp
Classification: Uncertain significance for Emery-Dreifuss muscular dystrophy. Last evaluated: 2025-01-12. Review status: criteria provided, single submitter. Criteria: Invitae Variant Classification Sherloc (09022015). Collection method: clinical testing. Allele origin: germline.
Comment: This sequence change replaces isoleucine, which is neutral and non-polar, with methionine, which is neutral and non-polar, at codon 757 of the SUN1 protein (p.Ile757Met). This variant is present in population databases (no rsID available, gnomAD 0.002%). This variant has not been reported in the literature in individuals affected with SUN1-related conditions. ClinVar contains an entry for this variant (Variation ID: 642395). An algorithm developed to predict the effect of missense changes on protein structure and function (PolyPhen-2) suggests that this variant is likely to be disruptive. In summary, the available evidence is currently insufficient to determine the role of this variant in disease. Therefore, it has been classified as a Variant of Uncertain Significance.